The following is an entry in ClinVar:

ClinVar aggregate classification (germline): Conflicting classifications of pathogenicity. Review status: criteria provided, conflicting classifications (1 of 4 stars). 3 submissions from 3 submitters: Uncertain significance (2); Benign (1). Last evaluated 2025-11-26.

Conditions:
Adams-Oliver syndrome 5 (AOS5). Identifiers: Orphanet 974, MedGen C4014970, MONDO:0014459, OMIM 616028.
Familial thoracic aortic aneurysm and aortic dissection (TAAD). Also called: Thoracic aortic aneurysms and dissections. Identifiers: Orphanet 91387, MedGen C4707243, MONDO:0019625.

Allele frequency attached by ClinVar (database versions not stated): gnomAD exomes below 0.00001 and 0.00001; TOPMed 0.00002; gnomAD 0.00003 and 0.00004.
gnomAD v4.1: 20 of 1,607,928 alleles (0.0012%); highest among the groups gnomAD compares: East Asian, 0.011%; no homozygotes.

Submissions (3):

Labcorp Genetics (formerly Invitae), Labcorp
Classification: Benign for Adams-Oliver syndrome 5. Last evaluated: 2025-11-26. Review status: criteria provided, single submitter. Criteria: Invitae Variant Classification Sherloc (09022015). Collection method: clinical testing. Allele origin: germline.

GeneDx
Classification: Uncertain significance. Last evaluated: 2024-05-22. Review status: criteria provided, single submitter. Criteria: GeneDx Variant Classification Process June 2021. Collection method: clinical testing. Allele origin: germline. Affected: yes.
Comment: Not observed at significant frequency in large population cohorts (gnomAD); In silico analysis indicates that this missense variant does not alter protein structure/function; This variant is associated with the following publications: (PMID: 29483666)

Ambry Genetics
Classification: Uncertain significance for Familial thoracic aortic aneurysm and aortic dissection. Last evaluated: 2022-03-22. Review status: criteria provided, single submitter. Criteria: Ambry Variant Classification Scheme 2023. Collection method: clinical testing. Allele origin: germline.
Comment: The p.R1330H variant (also known as c.3989G>A), located in coding exon 24 of the NOTCH1 gene, results from a G to A substitution at nucleotide position 3989. The arginine at codon 1330 is replaced by histidine, an amino acid with highly similar properties. This amino acid position is not well conserved in available vertebrate species. In addition, this alteration is predicted to be tolerated by in silico analysis. Since supporting evidence is limited at this time, the clinical significance of this alteration remains unclear.

NM_017617.5(NOTCH1):c.3989G>A (p.Arg1330His)

Gene: NOTCH1 (notch receptor 1; minus strand). Cytogenetic location: 9q34.3.
Variant type: single nucleotide variant.
Coding change: c.3989G>A on transcript NM_017617.5 (MANE Select); coding-DNA position 3989, G replaced by A.
Protein change: p.Arg1330His; replaces arginine 1330 with histidine.
Molecular consequence: missense variant.
Genome position (GRCh38, 1-based): chr9:136,506,552, C>T on the plus strand (G>A on the coding strand, the complement: NOTCH1 is on the minus strand). VCF-style: chr9-136506552-C-T. GRCh37 (hg19) VCF-style: chr9-139401004-C-T.
Other names: short protein forms R1330H.
Identifiers: ClinVar variation 1063774 (VCV001063774.12), dbSNP rs1180096756, ClinGen allele CA375548677.